The following is an entry in ClinVar:

ClinVar aggregate classification (germline): Benign/Likely benign. Review status: criteria provided, multiple submitters, no conflicts (2 of 4 stars). 3 submissions from 3 submitters: Benign (1); Likely benign (2). Last evaluated 2025-04-25.

Conditions:
Hereditary cancer-predisposing syndrome. Also called: Neoplastic Syndromes, Hereditary; Hereditary Cancer Syndrome; Hereditary neoplastic syndrome; Tumor predisposition. Identifiers: Orphanet 140162, MedGen C0027672, MeSH D009386, MONDO:0015356.
Tuberous sclerosis 1 (TSC1). Identifiers: Orphanet 805, MedGen C1854465, MONDO:0008612, OMIM 191100.

gnomAD v4.1: 1 of 1,614,206 alleles (0.000062%); highest among the groups gnomAD compares: Non-Finnish European, 0.000085%; no homozygotes.

Submissions (3):

Myriad Genetics, Inc.
Classification: Benign for Tuberous sclerosis 1. Last evaluated: 2025-04-25. Review status: criteria provided, single submitter. Criteria: Myriad Autosomal Dominant, Autosomal Recessive and X-Linked Classification Criteria (2023). Collection method: clinical testing. Allele origin: unknown.
Comment: This variant is considered benign. This variant is a silent/synonymous amino acid change and it is not expected to impact splicing.

Labcorp Genetics (formerly Invitae), Labcorp
Classification: Likely benign for Tuberous sclerosis 1. Last evaluated: 2021-04-07. Review status: criteria provided, single submitter. Criteria: Invitae Variant Classification Sherloc (09022015). Collection method: clinical testing. Allele origin: germline.

Ambry Genetics
Classification: Likely benign for Hereditary cancer-predisposing syndrome. Last evaluated: 2020-11-10. Review status: criteria provided, single submitter. Criteria: Ambry Variant Classification Scheme 2023. Collection method: clinical testing. Allele origin: germline.

NM_000368.5(TSC1):c.2343G>A (p.Gln781=)

Gene: TSC1 (TSC complex subunit 1; minus strand). Cytogenetic location: 9q34.13.
Variant type: single nucleotide variant.
Coding change: c.2343G>A on transcript NM_000368.5 (MANE Select); coding-DNA position 2343, G replaced by A.
Protein change: p.Gln781=; no amino-acid change (glutamine 781 retained).
Molecular consequence: synonymous variant.
Genome position (GRCh38, 1-based): chr9:132,902,653, C>T on the plus strand (G>A on the coding strand, the complement: TSC1 is on the minus strand). VCF-style: chr9-132902653-C-T. GRCh37 (hg19) VCF-style: chr9-135778040-C-T.
Other names: c.2340G>A, p.Gln780= (NM_001162426.2); c.2190G>A, p.Gln730= (NM_001162427.2); c.1980G>A, p.Gln660= (NM_001362177.2).
Identifiers: ClinVar variation 1159721 (VCV001159721.12), dbSNP rs2131731368, ClinGen allele CA467590524.